The following is an entry in ClinVar:

NM_004297.4(GNA14):c.356T>C (p.Met119Thr)

Gene: GNA14 (G protein subunit alpha 14; minus strand). Cytogenetic location: 9q21.2.
Variant type: single nucleotide variant.
Coding change: c.356T>C on transcript NM_004297.4 (MANE Select); coding-DNA position 356, T replaced by C.
Protein change: p.Met119Thr; replaces methionine 119 with threonine.
Molecular consequence: missense variant.
Genome position (GRCh38, 1-based): chr9:77,434,476, A>G on the plus strand (T>C on the coding strand, the complement: GNA14 is on the minus strand). VCF-style: chr9-77434476-A-G. GRCh37 (hg19) VCF-style: chr9-80049392-A-G.
Other names: c.356T>C (NM_004297.3); short protein forms M119T.
Identifiers: ClinVar variation 2672219 (VCV002672219.2), dbSNP rs1297597156, ClinGen allele CA373870008.

ClinVar aggregate classification (germline): Uncertain significance. Review status: criteria provided, multiple submitters, no conflicts (2 of 4 stars). 2 submissions from 2 submitters: Uncertain significance (2). Last evaluated 2025-08-12.

Conditions:
Tufted angioma of skin. Also called: Tufted angioma. Identifiers: Orphanet 1063, MedGen C0346073, MONDO:0011927, OMIM 607859, HP:0012329.

Allele frequency attached by ClinVar (database versions not stated): gnomAD exomes below 0.00001; gnomAD 0.00001; TOPMed 0.00001.

Submissions (2):

Ambry Genetics
Classification: Uncertain significance. Last evaluated: 2025-08-12. Review status: criteria provided, single submitter. Criteria: Ambry Variant Classification Scheme 2023. Collection method: clinical testing. Allele origin: germline.

Clinical Genomics Laboratory, Washington University in St. Louis
Classification: Uncertain significance for Tufted angioma of skin. Last evaluated: 2023-08-21. Review status: criteria provided, single submitter. Criteria: ACMG Guidelines, 2015. Collection method: clinical testing. Allele origin: germline.
Comment: The GNA14 c.356T>C (p.Met119Thr) variant was identified at a near heterozygous allelic fraction. This variant, to our knowledge, has not been reported in the medical literature. This variant has been reported in one case in the cancer database COSMIC (Genomic Mutation ID : COSV59023893). The GNA14 c.356T>C (p.Met119Thr) variant is only observed in 1/152194 alleles in the general population (gnomAD v.2.1.1), indicating it is not a common variant. Computational predictors are conflicting as to the impact of this variant on the GNA14 function. Due to limited information and based on ACMG/AMP guidelines for variant interpretation (Richards S et al., PMID: 25741868), the clinical significance of this variant is uncertain at this time.